The following is an entry in ClinVar:

ClinVar aggregate classification (germline): Uncertain significance. Review status: criteria provided, multiple submitters, no conflicts (2 of 4 stars). 2 submissions from 2 submitters: Uncertain significance (2). Last evaluated 2026-10-02.

Allele frequency attached by ClinVar (database versions not stated): ESP Exome Variant Server 0.00015; 1000 Genomes Project 0.00020; 1000 Genomes Project 30x 0.00031.
gnomAD v4.1: 22 of 1,614,038 alleles (0.0014%); highest among the groups gnomAD compares: African/African-American, 0.028%; no homozygotes.

Submissions (2):

GeneDx
Classification: Uncertain significance. Last evaluated: 2026-10-02. Review status: criteria provided, single submitter. Criteria: GeneDx Variant Classification Process June 2021. Collection method: clinical testing. Allele origin: germline.
Comment: Has not been previously published as pathogenic or benign to our knowledge; In silico analysis suggests this variant may impact gene splicing. In the absence of RNA/functional studies, the actual effect of this sequence change is unknown.

Labcorp Genetics (formerly Invitae), Labcorp
Classification: Uncertain significance. Last evaluated: 2022-08-23. Review status: criteria provided, single submitter. Criteria: Invitae Variant Classification Sherloc (09022015). Collection method: clinical testing. Allele origin: germline.
Comment: This sequence change affects codon 183 of the TK2 mRNA. It is a 'silent' change, meaning that it does not change the encoded amino acid sequence of the TK2 protein. This variant is present in population databases (rs137886900, gnomAD 0.02%). This variant has not been reported in the literature in individuals affected with TK2-related conditions. ClinVar contains an entry for this variant (Variation ID: 1208662). Algorithms developed to predict the effect of sequence changes on RNA splicing suggest that this variant may create or strengthen a splice site. In summary, the available evidence is currently insufficient to determine the role of this variant in disease. Therefore, it has been classified as a Variant of Uncertain Significance.

NM_004614.5(TK2):c.547C>A (p.Arg183=)

Gene: TK2 (thymidine kinase 2; minus strand). Cytogenetic location: 16q21.
Variant type: single nucleotide variant.
Coding change: c.547C>A on transcript NM_004614.5 (MANE Select); coding-DNA position 547, C replaced by A.
Protein change: p.Arg183=; no amino-acid change (arginine 183 retained).
Molecular consequence: synonymous variant. On other transcripts: non-coding transcript variant (1), intron variant (1).
Genome position (GRCh38, 1-based): chr16:66,517,207, G>T on the plus strand (C>A on the coding strand, the complement: TK2 is on the minus strand). VCF-style: chr16-66517207-G-T. GRCh37 (hg19) VCF-style: chr16-66551110-G-T.
Other names: c.454C>A, p.Arg152= (NM_001172643.1); c.472C>A, p.Arg158= (NM_001172644.2); c.493C>A, p.Arg165= (NM_001172645.2); c.400C>A, p.Arg134= (NM_001271934.2); c.256C>A, p.Arg86= (NM_001272050.2); c.357-3396C>A (NM_001271935.1).
Identifiers: ClinVar variation 1208662 (VCV001208662.7), dbSNP rs137886900, ClinGen allele CA8093632.
Genomic context (GRCh38, chr16:66,517,207, plus strand): 5'-CCTTCTCCTCTTCCCTGCATCTCTTCTTTAACCTCTGGTAACAAGTCTCAGGATTGGTCC[G>T]AAGGTAAACTGAGGTTAAAAGAATACGTGGCTCTCAGGACTCTGCTCATGGCTTGGAAGC-3'
Protein context (NP_004605.4, residues 173-193): DVSVDLIVYL[Arg183=]TNPETCYQRL